The following is an entry in ClinVar:

ClinVar aggregate classification (germline): Uncertain significance (1 of 4 stars; one submission).

gnomAD v4.1: 1 of 1,576,136 alleles (0.000063%); no homozygotes.

Submission:

Ambry Genetics
Classification: Uncertain significance. Last evaluated: 2025-05-02. Review status: criteria provided, single submitter. Criteria: Ambry Variant Classification Scheme 2023. Collection method: clinical testing. Allele origin: germline.
Comment: The p.D1737N variant (also known as c.5209G>A), located in coding exon 22 of the WNK2 gene, results from a G to A substitution at nucleotide position 5209. The aspartic acid at codon 1737 is replaced by asparagine, an amino acid with highly similar properties. This amino acid position is conserved. In addition, this alteration is predicted to be tolerated by in silico analysis. Based on the available evidence, the clinical significance of this variant remains unclear.

NM_006648.4(WNK2):c.5209G>A (p.Asp1737Asn)

Gene: WNK2 (WNK lysine deficient protein kinase 2; plus strand). Cytogenetic location: 9q22.31.
Variant type: single nucleotide variant.
Coding change: c.5209G>A on transcript NM_006648.4 (MANE Select); coding-DNA position 5209, G replaced by A.
Protein change: p.Asp1737Asn; replaces aspartic acid 1737 with asparagine.
Molecular consequence: missense variant.
Genome position (GRCh38, 1-based): chr9:93,292,674, G>A. VCF-style: chr9-93292674-G-A. GRCh37 (hg19) VCF-style: chr9-96054956-G-A.
Other names: c.5320G>A, p.Asp1774Asn (NM_001282394.3); short protein forms D1737N, D1774N.
Identifiers: ClinVar variation 3981966 (VCV003981966.1).